The following is an entry in ClinVar:

ClinVar aggregate classification (germline): Uncertain significance (1 of 4 stars; one submission).

Conditions:
NRP1-related disorder. Also called: NRP1-related condition.

Submission:

PreventionGenetics, part of Exact Sciences
Classification: Uncertain significance for NRP1-related condition. Last evaluated: 2025-05-15. Review status: criteria provided, single submitter. Criteria: ACMG Guidelines, 2015. Collection method: clinical testing. Allele origin: germline.
Comment: The NRP1 c.2459C>T variant is predicted to result in the amino acid substitution p.Pro820Leu. To our knowledge, this variant has not been reported in the literature or in a large population database (gnomAD), indicating this variant is rare. At this time, the clinical significance of this variant is uncertain due to the absence of conclusive functional and genetic evidence.

NM_003873.7(NRP1):c.2459C>T (p.Pro820Leu)

Gene: NRP1 (neuropilin 1; minus strand). Cytogenetic location: 10p11.22.
Variant type: single nucleotide variant.
Coding change: c.2459C>T on transcript NM_003873.7 (MANE Select); coding-DNA position 2459, C replaced by T.
Protein change: p.Pro820Leu; replaces proline 820 with leucine.
Molecular consequence: missense variant. On other transcripts: non-coding transcript variant (1), intron variant (1).
Genome position (GRCh38, 1-based): chr10:33,182,721, G>A on the plus strand (C>T on the coding strand, the complement: NRP1 is on the minus strand). VCF-style: chr10-33182721-G-A. GRCh37 (hg19) VCF-style: chr10-33471649-G-A.
Other names: c.2441C>T, p.Pro814Leu (NM_001244972.2); c.2438C>T, p.Pro813Leu (NM_001244973.2); c.2432-2356C>T (NM_001330068.2); short protein forms P813L, P820L, P814L.
Identifiers: ClinVar variation 4979708 (VCV004979708.1).
Genomic context (GRCh38, chr10:33,182,721, plus strand): 5'-AAAATTTTTTAAAAATTGGTCAGCAAGACAAATTTACCTGTTTCATCAATTTTAATTTCT[G>A]GGTTCTTTTTATCCAGGTCTGCTGGTTCTGACAAGTCAAACAAAATTGAAAGAGATATTT-3'
Protein context (NP_003864.5, residues 810-830): AKPADLDKKN[Pro820Leu]EIKIDETGST